The following is an entry in ClinVar:

ClinVar aggregate classification (germline): Uncertain significance. Review status: criteria provided, multiple submitters, no conflicts (2 of 4 stars). 2 submissions from 2 submitters: Uncertain significance (2). Last evaluated 2023-11-27.

Allele frequency attached by ClinVar (database versions not stated): TOPMed 0.00002; gnomAD exomes 0.00003; gnomAD 0.00005; ExAC 0.00007; ESP Exome Variant Server 0.00008; 1000 Genomes Project 30x 0.00016; 1000 Genomes Project 0.00020.
gnomAD v4.1: 49 of 1,614,146 alleles (0.003%); highest among the groups gnomAD compares: Middle Eastern, 0.16%; 1 homozygote.

Submissions (2):

Labcorp Genetics (formerly Invitae), Labcorp
Classification: Uncertain significance. Last evaluated: 2023-11-27. Review status: criteria provided, single submitter. Criteria: Invitae Variant Classification Sherloc (09022015). Collection method: clinical testing. Allele origin: germline.
Comment: This sequence change replaces leucine, which is neutral and non-polar, with valine, which is neutral and non-polar, at codon 576 of the ARHGEF10 protein (p.Leu576Val). This variant is present in population databases (rs369598792, gnomAD 0.03%). This variant has not been reported in the literature in individuals affected with ARHGEF10-related conditions. Advanced modeling of protein sequence and biophysical properties (such as structural, functional, and spatial information, amino acid conservation, physicochemical variation, residue mobility, and thermodynamic stability) has been performed at Invitae for this missense variant, however the output from this modeling did not meet the statistical confidence thresholds required to predict the impact of this variant on ARHGEF10 protein function. In summary, the available evidence is currently insufficient to determine the role of this variant in disease. Therefore, it has been classified as a Variant of Uncertain Significance.

Ambry Genetics
Classification: Uncertain significance. Last evaluated: 2023-09-22. Review status: criteria provided, single submitter. Criteria: Ambry Variant Classification Scheme 2023. Collection method: clinical testing. Allele origin: germline.

NM_014629.4(ARHGEF10):c.1726C>G (p.Leu576Val)

Gene: ARHGEF10 (Rho guanine nucleotide exchange factor 10; plus strand). Cytogenetic location: 8p23.3.
Variant type: single nucleotide variant.
Coding change: c.1726C>G on transcript NM_014629.4 (MANE Select); coding-DNA position 1726, C replaced by G.
Protein change: p.Leu576Val; replaces leucine 576 with valine.
Molecular consequence: missense variant.
Genome position (GRCh38, 1-based): chr8:1,903,356, C>G. VCF-style: chr8-1903356-C-G. GRCh37 (hg19) VCF-style: chr8-1851522-C-G.
Other names: c.1726C>G, p.Leu576Val (NM_001308153.3); c.1612C>G, p.Leu538Val (NM_001308152.2); short protein forms L538V, L576V, L600V.
Identifiers: ClinVar variation 2719398 (VCV002719398.4), dbSNP rs369598792, ClinGen allele CA4600526.
Genomic context (GRCh38, chr8:1,903,356, plus strand): 5'-ACCTCCAAAGGCCACCCCGACAGGCTGCCTCTTCAGATGGCCCTGACAGAGCTCGAAACA[C>G]TAGCAGAGAAGTTAAATGAAAGAAAGAGAGATGCTGATCAACGCTGTGAAGTGAAGCAAA-3'
Protein context (NP_055444.2, residues 566-586): LQMALTELET[Leu576Val]AEKLNERKRD